The following is an entry in ClinVar:

NM_032043.3(BRIP1):c.2809G>A (p.Asp937Asn)

Gene: BRIP1 (BRCA1 interacting DNA helicase 1; minus strand). Cytogenetic location: 17q23.2.
Variant type: single nucleotide variant.
Coding change: c.2809G>A on transcript NM_032043.3 (MANE Select); coding-DNA position 2809, G replaced by A.
Protein change: p.Asp937Asn; replaces aspartic acid 937 with asparagine.
Molecular consequence: missense variant.
Genome position (GRCh38, 1-based): chr17:61,685,932, C>T on the plus strand (G>A on the coding strand, the complement: BRIP1 is on the minus strand). VCF-style: chr17-61685932-C-T. GRCh37 (hg19) VCF-style: chr17-59763293-C-T.
Other names: short protein forms D937N.
Identifiers: ClinVar variation 1001672 (VCV001001672.13), dbSNP rs2061354513, ClinGen allele CA400481489.
Genomic context (GRCh38, chr17:61,685,932, plus strand): 5'-GTGAATTTTTGGTAATAATTTTAGGACACTGTAGTTCCTGGACACATATCTTTGCTTCAT[C>T]TTCCACAAAATTTTCTGGTGATAGATGACTTGCTGCTTCCAGTAAATAAGGTGAGGTACT-3'
Protein context (NP_114432.2, residues 927-947): SHLSPENFVE[Asp937Asn]EAKICVQELQ

ClinVar aggregate classification (germline): Uncertain significance. Review status: criteria provided, multiple submitters, no conflicts (2 of 4 stars). 2 submissions from 2 submitters: Uncertain significance (2). Last evaluated 2026-02-02.

Conditions:
Hereditary cancer-predisposing syndrome. Also called: Hereditary neoplastic syndrome; Neoplastic Syndromes, Hereditary; Tumor predisposition; Hereditary Cancer Syndrome. Identifiers: Orphanet 140162, MedGen C0027672, MeSH D009386, MONDO:0015356.
Familial cancer of breast. Also called: hereditary breast carcinoma; BREAST CANCER, FAMILIAL; Hereditary breast cancer. Identifiers: Orphanet 227535, MedGen C0346153, MONDO:0016419, OMIM 114480. Disease mechanism: loss of function.
Fanconi anemia complementation group J. Also called: BRIP1-Related Fanconi Anemia. Identifiers: Orphanet 84, MedGen C1836860, MONDO:0012187, OMIM 609054.

Submissions (2):

Labcorp Genetics (formerly Invitae), Labcorp
Classification: Uncertain significance for Familial cancer of breast; Fanconi anemia complementation group J. Last evaluated: 2026-02-02. Review status: criteria provided, single submitter. Criteria: Invitae Variant Classification Sherloc (09022015). Collection method: clinical testing. Allele origin: germline.
Comment: This sequence change replaces aspartic acid, which is acidic and polar, with asparagine, which is neutral and polar, at codon 937 of the BRIP1 protein (p.Asp937Asn). This variant is not present in population databases (gnomAD no frequency). This variant has not been reported in the literature in individuals affected with BRIP1-related conditions. ClinVar contains an entry for this variant (Variation ID: 1001672). Invitae Evidence Modeling of protein sequence and biophysical properties (such as structural, functional, and spatial information, amino acid conservation, physicochemical variation, residue mobility, and thermodynamic stability) indicates that this missense variant is not expected to disrupt BRIP1 protein function with a negative predictive value of 95%. In summary, the available evidence is currently insufficient to determine the role of this variant in disease. Therefore, it has been classified as a Variant of Uncertain Significance.

Ambry Genetics
Classification: Uncertain significance for Hereditary cancer-predisposing syndrome. Last evaluated: 2024-11-23. Review status: criteria provided, single submitter. Criteria: Ambry Variant Classification Scheme 2023. Collection method: clinical testing. Allele origin: germline.
Comment: The p.D937N variant (also known as c.2809G>A), located in coding exon 18 of the BRIP1 gene, results from a G to A substitution at nucleotide position 2809. The aspartic acid at codon 937 is replaced by asparagine, an amino acid with highly similar properties. This amino acid position is conserved. In addition, this alteration is predicted to be tolerated by in silico analysis. Since supporting evidence is limited at this time, the clinical significance of this alteration remains unclear.